The following is an entry in ClinVar:

NM_018389.5(SLC35C1):c.69dup (p.Ala24fs)

Gene: SLC35C1 (solute carrier family 35 member C1; plus strand). Cytogenetic location: 11p11.2.
Variant type: Duplication.
Coding change: c.69dup on transcript NM_018389.5 (MANE Select); coding-DNA position 69, one base duplicated (T; older notation c.69dupT).
Protein change: p.Ala24fs; shifts the reading frame from alanine 24.
Molecular consequence: frameshift variant.
Genome position (GRCh38, 1-based): chr11:45,805,870, T duplicated. VCF-style (leftmost placement, unchanged base first): chr11-45805869-C-CT. GRCh37 (hg19) VCF-style: chr11-45827420-C-CT.
Other names: c.30dup, p.Ala11fs (NM_001145265.2, NM_001145266.2, NM_001425156.1); c.69dup, p.Ala24fs (NM_001425155.1); short protein forms A11fs, A24fs.
Identifiers: ClinVar variation 4723157 (VCV004723157.1).

ClinVar aggregate classification (germline): Pathogenic (1 of 4 stars; one submission).

Conditions:
Leukocyte adhesion deficiency type II. Also called: CONGENITAL DISORDER OF GLYCOSYLATION, TYPE IIc; CDG IIc; Congenital disorder of glycosylation type 2C; CDG 2C; Leukocyte adhesion deficiency type 2; Rambam Hasharon syndrome. Identifiers: Orphanet 2968, Orphanet 99843, MedGen C0398739, MONDO:0009953, OMIM 266265.

Submission:

Labcorp Genetics (formerly Invitae), Labcorp
Classification: Pathogenic for Leukocyte adhesion deficiency type II. Last evaluated: 2025-10-19. Review status: criteria provided, single submitter. Criteria: Invitae Variant Classification Sherloc (09022015). Collection method: clinical testing. Allele origin: germline.
Comment: This sequence change creates a premature translational stop signal (p.Ala24Cysfs*36) in the SLC35C1 gene. It is expected to result in an absent or disrupted protein product. Loss-of-function variants in SLC35C1 are known to be pathogenic (PMID: 16455955, 24403049). This variant is not present in population databases (gnomAD no frequency). This variant has not been reported in the literature in individuals affected with SLC35C1-related conditions. Algorithms developed to predict the effect of sequence changes on RNA splicing suggest that this variant may create or strengthen a splice site. For these reasons, this variant has been classified as Pathogenic.

Literature cited by the submitters: PubMed 16455955; PubMed 24403049.